The following is an entry in ClinVar:

NM_000057.4(BLM):c.2691C>T (p.Ser897=)

Gene: BLM (BLM RecQ like helicase; plus strand). Cytogenetic location: 15q26.1.
Variant type: single nucleotide variant.
Coding change: c.2691C>T on transcript NM_000057.4 (MANE Select); coding-DNA position 2691, C replaced by T.
Protein change: p.Ser897=; no amino-acid change (serine 897 retained).
Molecular consequence: synonymous variant.
Genome position (GRCh38, 1-based): chr15:90,784,949, C>T. VCF-style: chr15-90784949-C-T. GRCh37 (hg19) VCF-style: chr15-91328179-C-T.
Other names: c.2691C>T (NM_000057.2); c.2691C>T, p.Ser897= (NM_001287246.2, NM_001287247.2); c.1566C>T, p.Ser522= (NM_001287248.2).
Identifiers: ClinVar variation 413291 (VCV000413291.19), dbSNP rs756155242, ClinGen allele CA7738858.

ClinVar aggregate classification (germline): Conflicting classifications of pathogenicity. Review status: criteria provided, conflicting classifications (1 of 4 stars). 4 submissions from 4 submitters: Uncertain significance (1); Likely benign (2). 1 of the submissions does not count toward it. Last evaluated 2026-01-28.

Conditions:
Bloom syndrome (BLM). Also called: Bloom-Torre-Machacek syndrome. Identifiers: Orphanet 125, MedGen C0005859, MONDO:0008876, OMIM 210900.
Hereditary cancer-predisposing syndrome. Also called: Neoplastic Syndromes, Hereditary; Tumor predisposition; Hereditary Cancer Syndrome; Hereditary neoplastic syndrome. Identifiers: Orphanet 140162, MedGen C0027672, MeSH D009386, MONDO:0015356.

Allele frequency attached by ClinVar (database versions not stated): TOPMed below 0.00001; gnomAD 0.00001; ExAC 0.00002; gnomAD exomes 0.00002.
gnomAD v4.1: 32 of 1,613,900 alleles (0.002%); highest among the groups gnomAD compares: Non-Finnish European, 0.0025%; no homozygotes.

Submissions (4):

Labcorp Genetics (formerly Invitae), Labcorp
Classification: Likely benign for Bloom syndrome. Last evaluated: 2026-01-28. Review status: criteria provided, single submitter. Criteria: Invitae Variant Classification Sherloc (09022015). Collection method: clinical testing. Allele origin: germline.

Ambry Genetics
Classification: Uncertain significance for Hereditary cancer-predisposing syndrome. Last evaluated: 2024-11-12. Review status: criteria provided, single submitter. Criteria: Ambry Variant Classification Scheme 2023. Collection method: clinical testing. Allele origin: germline.
Comment: The c.2691C>T variant (also known as p.S897S), located in coding exon 13 of the BLM gene, results from a C to T substitution at nucleotide position 2691. This nucleotide substitution does not change the amino acid at codon 897. This nucleotide position is not well conserved in available vertebrate species. In silico splice site analysis predicts that this alteration may weaken the native splice acceptor site. Based on the available evidence, the clinical significance of this variant remains unclear.

Sema4
Classification: Likely benign for Hereditary cancer-predisposing syndrome. Last evaluated: 2021-01-26. Review status: criteria provided, single submitter. Criteria: Sema4 Curation Guidelines. Collection method: curation. Allele origin: germline.

Natera, Inc.
Classification: Likely benign for Bloom syndrome. Last evaluated: 2018-11-15. Review status: no assertion criteria provided. Collection method: clinical testing. Allele origin: germline. Not counted in ClinVar's aggregate classification.